The following is an entry in ClinVar:

ClinVar aggregate classification (germline): Pathogenic. Review status: criteria provided, multiple submitters, no conflicts (2 of 4 stars). 3 submissions from 3 submitters: Pathogenic (2). 1 of the submissions does not count toward it. Last evaluated 2025-01-31.

Conditions:
GRN-related frontotemporal lobar degeneration with Tdp43 inclusions (FTD2). Also called: FRONTOTEMPORAL DEMENTIA WITH TDP43 INCLUSIONS, GRN-RELATED; GRN Frontotemporal Dementia; DEMENTIA, HEREDITARY DYSPHASIC DISINHIBITION; FRONTOTEMPORAL LOBAR DEGENERATION WITH UBIQUITIN-POSITIVE INCLUSIONS; FTLD-TDP, GRN-RELATED. Identifiers: Orphanet 100070, Orphanet 282, MedGen C1843792, MONDO:0011842, OMIM 607485. Disease mechanism: loss of function.
Frontotemporal dementia (FTD1). Also called: Frontotemporal lobe dementia (FLDEM); FRONTOTEMPORAL LOBAR DEGENERATION WITH TAU INCLUSIONS; FTLD WITH TAU INCLUSIONS; WILHELMSEN-LYNCH DISEASE; FRONTOTEMPORAL DEMENTIA WITH PARKINSONISM; FRONTOTEMPORAL LOBE DEMENTIA. Identifiers: Orphanet 282, MedGen C0338451, MONDO:0017276, OMIM 600274, HP:0002145.

Submissions (3):

Institute of Human Genetics Munich, TUM University Hospital
Classification: Pathogenic for GRN-related frontotemporal lobar degeneration with Tdp43 inclusions. Last evaluated: 2025-01-31. Review status: criteria provided, single submitter. Criteria: Classification criteria August 2017. Collection method: clinical testing. Allele origin: germline. Inheritance: Autosomal dominant inheritance. Affected: yes. Observed: 1 variant allele.

Human Genetics Group at Institute of Prion Diseases London, University College London
Classification: Pathogenic for Frontotemporal dementia. Last evaluated: 2017-02-01. Review status: criteria provided, single submitter. Criteria: Koriath et al. 2018. Collection method: clinical testing. Allele origin: inherited. Affected: yes. Observed: 1 variant allele.
Comment: Variant causing termination in GRN. Haploinsufficiency is a well established cause of disease in GRN

Confirmed by Sanger sequencing

VIB  Department of Molecular Genetics, University of Antwerp
No classification provided. Review status: no classification provided. Collection method: not provided. Allele origin: not provided. Not counted in ClinVar's aggregate classification.

NM_002087.4(GRN):c.759_760del (p.Cys253_Asp254delinsTer)

Gene: GRN (granulin precursor; plus strand). Cytogenetic location: 17q21.31.
Variant type: Microsatellite.
Coding change: c.759_760del on transcript NM_002087.4 (MANE Select); coding-DNA positions 759 to 760, 2 bases deleted (TG; older notation c.759_760delTG).
Protein change: p.Cys253_Asp254delinsTer.
Molecular consequence: nonsense.
Genome position (GRCh38, 1-based): chr17:44,351,087-44,351,088, TG deleted; deleting any 2 consecutive bases within chr17:44,351,081-44,351,088 gives the same sequence; the c. name uses the placement nearest the transcript's 3' end. VCF-style (leftmost placement, unchanged base first): chr17-44351080-CTG-C. GRCh37 (hg19) VCF-style: chr17-42428448-CTG-C.
Identifiers: ClinVar variation 98152 (VCV000098152.10), dbSNP rs63751035, ClinGen allele CA225274.
Genomic context (GRCh38, chr17:44,351,080, plus strand): 5'-CCCCTGTCCCCACTCAGGCCACCTGCTGCTCCGATCACCTGCACTGCTGCCCCCAAGACA[CTG>C]TGTGTGACCTGATCCAGAGTAAGTGCCTCTCCAAGGAGAACGCTACCACGGACCTCCTCA-3'